The following is an entry in ClinVar:

NM_001384317.1(ZHX3):c.449T>C (p.Val150Ala)

Gene: ZHX3 (zinc fingers and homeoboxes 3; minus strand). Cytogenetic location: 20q12.
Variant type: single nucleotide variant.
Coding change: c.449T>C on transcript NM_001384317.1 (MANE Select); coding-DNA position 449, T replaced by C.
Protein change: p.Val150Ala; replaces valine 150 with alanine.
Molecular consequence: missense variant.
Genome position (GRCh38, 1-based): chr20:41,204,468, A>G on the plus strand (T>C on the coding strand, the complement: ZHX3 is on the minus strand). VCF-style: chr20-41204468-A-G. GRCh37 (hg19) VCF-style: chr20-39833108-A-G.
Other names: c.449T>C, p.Val150Ala (NM_001384315.1, NM_001384316.1, NM_001384318.1 and 8 more transcripts); short protein forms V150A.
Identifiers: ClinVar variation 3819417 (VCV003819417.2).

ClinVar aggregate classification (germline): Uncertain significance. Review status: criteria provided, multiple submitters, no conflicts (2 of 4 stars). 2 submissions from 2 submitters: Uncertain significance (2). Last evaluated 2025-11-05.

gnomAD v4.1: 6 of 1,614,016 alleles (0.00037%); highest among the groups gnomAD compares: Admixed American, 0.0083%; no homozygotes.

Submissions (2):

Labcorp Genetics (formerly Invitae), Labcorp
Classification: Uncertain significance. Last evaluated: 2025-11-05. Review status: criteria provided, single submitter. Criteria: Invitae Variant Classification Sherloc (09022015). Collection method: clinical testing. Allele origin: germline.
Comment: This sequence change replaces valine, which is neutral and non-polar, with alanine, which is neutral and non-polar, at codon 150 of the ZHX3 protein (p.Val150Ala). This variant is present in population databases (rs773251372, gnomAD 0.009%). This variant has not been reported in the literature in individuals affected with ZHX3-related conditions. ClinVar contains an entry for this variant (Variation ID: 3819417). An algorithm developed to predict the effect of missense changes on protein structure and function outputs the following: PolyPhen-2: "Benign". The alanine amino acid residue is found in multiple mammalian species, which suggests that this missense change does not adversely affect protein function. In summary, the available evidence is currently insufficient to determine the role of this variant in disease. Therefore, it has been classified as a Variant of Uncertain Significance.

Ambry Genetics
Classification: Uncertain significance. Last evaluated: 2025-01-08. Review status: criteria provided, single submitter. Criteria: Ambry Variant Classification Scheme 2023. Collection method: clinical testing. Allele origin: germline.